The following is an entry in ClinVar:

ClinVar aggregate classification (germline): Likely benign. Review status: criteria provided, single submitter (1 of 4 stars). 2 submissions from 2 submitters: Likely benign (1). 1 of the submissions does not count toward it. Last evaluated 2026-01-26.

Conditions:
ARHGEF10-related disorder. Also called: ARHGEF10-related condition.

Allele frequency attached by ClinVar (database versions not stated): 1000 Genomes Project 0.00080; gnomAD exomes 0.00002; TOPMed 0.00044; 1000 Genomes Project 30x 0.00078; ExAC 0.00016; gnomAD 0.00038; ESP Exome Variant Server 0.00077.
gnomAD v4.1: 97 of 1,613,248 alleles (0.006%); highest among the groups gnomAD compares: African/African-American, 0.11%; no homozygotes.

Submissions (2):

Labcorp Genetics (formerly Invitae), Labcorp
Classification: Likely benign. Last evaluated: 2026-01-26. Review status: criteria provided, single submitter. Criteria: Invitae Variant Classification Sherloc (09022015). Collection method: clinical testing. Allele origin: germline.

PreventionGenetics, part of Exact Sciences
Classification: Likely benign for ARHGEF10-related condition. Last evaluated: 2019-02-19. Review status: no assertion criteria provided. Collection method: clinical testing. Allele origin: germline. Not counted in ClinVar's aggregate classification.
Comment: This variant is classified as likely benign based on ACMG/AMP sequence variant interpretation guidelines (Richards et al. 2015 PMID: 25741868, with internal and published modifications).

NM_014629.4(ARHGEF10):c.545+7G>A

Gene: ARHGEF10 (Rho guanine nucleotide exchange factor 10; plus strand). Cytogenetic location: 8p23.3.
Variant type: single nucleotide variant.
Coding change: c.545+7G>A on transcript NM_014629.4 (MANE Select); 7 bases into the intron after coding-DNA position 545, G replaced by A.
Molecular consequence: intron variant.
Genome position (GRCh38, 1-based): chr8:1,864,443, G>A. VCF-style: chr8-1864443-G-A. GRCh37 (hg19) VCF-style: chr8-1812609-G-A.
Other names: c.548+7G>A (NM_001438091.1, NM_001308152.2, NM_001438094.1 and 2 more transcripts); c.545+7G>A (NM_001438093.1).
Identifiers: ClinVar variation 3058756 (VCV003058756.4), dbSNP rs200316904, ClinGen allele CA4599833.